The following is an entry in ClinVar:

NM_001039.4(SCNN1G):c.296T>C (p.Ile99Thr)

Gene: SCNN1G (sodium channel epithelial 1 subunit gamma; plus strand). Cytogenetic location: 16p12.2.
Variant type: single nucleotide variant.
Coding change: c.296T>C on transcript NM_001039.4 (MANE Select); coding-DNA position 296, T replaced by C.
Protein change: p.Ile99Thr; replaces isoleucine 99 with threonine.
Molecular consequence: missense variant.
Genome position (GRCh38, 1-based): chr16:23,186,567, T>C. VCF-style: chr16-23186567-T-C. GRCh37 (hg19) VCF-style: chr16-23197888-T-C.
Other names: short protein forms I99T.
Identifiers: ClinVar variation 3579892 (VCV003579892.2).
Genomic context (GRCh38, chr16:23,186,567, plus strand): 5'-ATACTGTCTCAGTTTCCATCAAAGTCCACTTCCGGAAGCTGGATTTTCCTGCAGTCACCA[T>C]CTGCAACATCAACCCCTACAAGTAAGAGGCATGAGCAGGGAAACGCGAGTAGGGAGCCAG-3'
Protein context (NP_001030.2, residues 89-109): FRKLDFPAVT[Ile99Thr]CNINPYKYST

ClinVar aggregate classification (germline): Uncertain significance. Review status: criteria provided, multiple submitters, no conflicts (2 of 4 stars). 2 submissions from 2 submitters: Uncertain significance (2). Last evaluated 2025-12-10.

Conditions:
Pseudohypoaldosteronism, type IB3, autosomal recessive (PHA1B3). Identifiers: MedGen C5774256, MONDO:0859318, OMIM 620126.
Bronchiectasis with or without elevated sweat chloride 3 (BESC3). Identifiers: Orphanet 60033, MedGen C2751324, MONDO:0013112, OMIM 613071.
Liddle syndrome 2. Identifiers: MedGen C4748251, MONDO:0020854, OMIM 618114.

gnomAD v4.1: 3 of 1,612,966 alleles (0.00019%); highest among the groups gnomAD compares: African/African-American, 0.004%; no homozygotes.

Submissions (2):

Women's Health and Genetics/Laboratory Corporation of America, LabCorp
Classification: Uncertain significance. Last evaluated: 2025-12-10. Review status: criteria provided, single submitter. Criteria: LabCorp Variant Classification Summary - May 2015. Collection method: clinical testing. Allele origin: germline.
Comment: Variant summary: SCNN1G c.296T>C (p.Ile99Thr) results in a non-conservative amino acid change in the encoded protein sequence. Algorithms developed to predict the effect of missense changes on protein structure and function are either unavailable or do not agree on the potential impact of this missense change. The variant allele was found at a frequency of 8.1e-06 in 248010 control chromosomes. The available data on variant occurrences in the general population are insufficient to allow any conclusion about variant significance. To our knowledge, no occurrence of c.296T>C in individuals affected with SCNN1G-related conditions and no experimental evidence demonstrating its impact on protein function have been reported. ClinVar contains an entry for this variant (Variation ID: 3579892). Based on the evidence outlined above, the variant was classified as uncertain significance.

Fulgent Genetics
Classification: Uncertain significance for Bronchiectasis with or without elevated sweat chloride 3; Liddle syndrome 2; Pseudohypoaldosteronism, type IB3, autosomal recessive. Last evaluated: 2024-06-10. Review status: criteria provided, single submitter. Criteria: ACMG Guidelines, 2015. Collection method: clinical testing. Allele origin: germline.